The following is an entry in ClinVar:

ClinVar aggregate classification (germline): Pathogenic (1 of 4 stars; one submission).

Conditions:
Idiopathic Pulmonary Fibrosis. Also called: Idiopathic fibrosing alveolitis, chronic form; idiopathic fibrosing alveolitis. Identifiers: Orphanet 2032, MedGen C1800706, MeSH D054990, MONDO:0800504.
Dyskeratosis congenita, autosomal dominant 2. Identifiers: MedGen C3151443, MONDO:0013521, OMIM 613989.

Submission:

Labcorp Genetics (formerly Invitae), Labcorp
Classification: Pathogenic for Dyskeratosis congenita, autosomal dominant 2; Idiopathic Pulmonary Fibrosis. Last evaluated: 2018-05-10. Review status: criteria provided, single submitter. Criteria: Invitae Variant Classification Sherloc (09022015). Collection method: clinical testing. Allele origin: germline.
Comment: For these reasons, this variant has been classified as Pathogenic. Loss-of-function variants in TERT are known to be pathogenic (PMID: 16247010, 17460043). This variant has not been reported in the literature in individuals with TERT-related disease. While this variant is not present in population databases, the frequency information is unreliable, as metrics indicate poor data quality at this position in the ExAC database. This sequence change creates a premature translational stop signal (p.Trp60*) in the TERT gene. It is expected to result in an absent or disrupted protein product.

Literature cited by the submitters: PubMed 16247010; PubMed 17460043.

NM_198253.3(TERT):c.180G>A (p.Trp60Ter)

Genes: TERT (telomerase reverse transcriptase; minus strand), LOC110806263 (TERT 5' regulatory region; plus strand). Cytogenetic location: 5p15.33.
Variant type: single nucleotide variant.
Coding change: c.180G>A on transcript NM_198253.3 (MANE Select); coding-DNA position 180, G replaced by A.
Protein change: p.Trp60Ter; replaces tryptophan 60 with a stop codon.
Molecular consequence: nonsense. On other transcripts: non-coding transcript variant (2).
Genome position (GRCh38, 1-based): chr5:1,294,810, C>T on the plus strand (G>A on the coding strand, the complement: TERT is on the minus strand). VCF-style: chr5-1294810-C-T. GRCh37 (hg19) VCF-style: chr5-1294925-C-T.
Other names: c.180G>A, p.Trp60Ter (NM_001193376.3); short protein forms W60*.
Identifiers: ClinVar variation 568038 (VCV000568038.7), dbSNP rs1554043139, ClinGen allele CA359058906.
Genomic context (GRCh38, chr5:1,294,810, plus strand): 5'-GCCGACCCCGGGGAGGCCCACCTGGCGGAAGGAGGGGGCGGCGGGGGGCGGCCGTGCGTC[C>T]CAGGGCACGCACACCAGGCACTGGGCCACCAGCGCGCGGAAAGCCGCCGGGTCCCCGCGC-3'